The following is an entry in ClinVar:

NM_031475.3(ESPN):c.1654G>T (p.Gly552Cys)

Gene: ESPN (espin; plus strand). Cytogenetic location: 1p36.31.
Variant type: single nucleotide variant.
Coding change: c.1654G>T on transcript NM_031475.3 (MANE Select); coding-DNA position 1654, G replaced by T.
Protein change: p.Gly552Cys; replaces glycine 552 with cysteine.
Molecular consequence: missense variant. On other transcripts: intron variant (2).
Genome position (GRCh38, 1-based): chr1:6,448,830, G>T. VCF-style: chr1-6448830-G-T. GRCh37 (hg19) VCF-style: chr1-6508890-G-T.
Other names: c.1626+28G>T (NM_001367474.1, NM_001367473.1); short protein forms G552C.
Identifiers: ClinVar variation 4978479 (VCV004978479.1).

ClinVar aggregate classification (germline): Uncertain significance (1 of 4 stars; one submission).

Conditions:
ESPN-related disorder. Also called: ESPN-related condition.

gnomAD v4.1: 24 of 1,237,030 alleles (0.0019%); highest among the groups gnomAD compares: Admixed American, 0.0044%; no homozygotes.

Submission:

PreventionGenetics, part of Exact Sciences
Classification: Uncertain significance for ESPN-related condition. Last evaluated: 2026-08-22. Review status: criteria provided, single submitter. Criteria: ACMG Guidelines, 2015. Collection method: clinical testing. Allele origin: germline.
Comment: The ESPN c.1654G>T variant is predicted to result in the amino acid substitution p.Gly552Cys. To our knowledge, this variant has not been reported in the literature. This variant is reported in 0.0067% of alleles in individuals of European (Non-Finnish) descent in gnomAD. At this time, the clinical significance of this variant is uncertain due to the absence of conclusive functional and genetic evidence.